The following is an entry in ClinVar:

NM_021076.4(NEFH):c.775A>G (p.Thr259Ala)

Gene: NEFH (neurofilament heavy chain; plus strand). Cytogenetic location: 22q12.2.
Variant type: single nucleotide variant.
Coding change: c.775A>G on transcript NM_021076.4 (MANE Select); coding-DNA position 775, A replaced by G.
Protein change: p.Thr259Ala; replaces threonine 259 with alanine.
Molecular consequence: missense variant.
Genome position (GRCh38, 1-based): chr22:29,481,037, A>G. VCF-style: chr22-29481037-A-G. GRCh37 (hg19) VCF-style: chr22-29877026-A-G.
Other names: short protein forms T259A.
Identifiers: ClinVar variation 1760478 (VCV001760478.5), dbSNP rs1170229557, ClinGen allele CA411124028.

ClinVar aggregate classification (germline): Uncertain significance. Review status: criteria provided, multiple submitters, no conflicts (2 of 4 stars). 2 submissions from 2 submitters: Uncertain significance (2). Last evaluated 2024-10-30.

Conditions:
Inborn genetic diseases. Identifiers: MedGen C0950123, MeSH D030342.

Allele frequency attached by ClinVar (database versions not stated): TOPMed 0.00001; gnomAD 0.00003; 1000 Genomes Project 30x 0.00031.
gnomAD v4.1: 24 of 1,531,348 alleles (0.0016%); highest among the groups gnomAD compares: South Asian, 0.0024%; no homozygotes.

Submissions (2):

Labcorp Genetics (formerly Invitae), Labcorp
Classification: Uncertain significance. Last evaluated: 2024-10-30. Review status: criteria provided, single submitter. Criteria: Invitae Variant Classification Sherloc (09022015). Collection method: clinical testing. Allele origin: germline.
Comment: This sequence change replaces threonine, which is neutral and polar, with alanine, which is neutral and non-polar, at codon 259 of the NEFH protein (p.Thr259Ala). The frequency data for this variant in the population databases is considered unreliable, as metrics indicate poor data quality at this position in the gnomAD database. This variant has not been reported in the literature in individuals affected with NEFH-related conditions. ClinVar contains an entry for this variant (Variation ID: 1760478). Invitae Evidence Modeling of protein sequence and biophysical properties (such as structural, functional, and spatial information, amino acid conservation, physicochemical variation, residue mobility, and thermodynamic stability) indicates that this missense variant is not expected to disrupt NEFH protein function with a negative predictive value of 95%. In summary, the available evidence is currently insufficient to determine the role of this variant in disease. Therefore, it has been classified as a Variant of Uncertain Significance.

Ambry Genetics
Classification: Uncertain significance for Inborn genetic diseases. Last evaluated: 2020-11-02. Review status: criteria provided, single submitter. Criteria: Ambry Variant Classification Scheme 2023. Collection method: clinical testing. Allele origin: germline.
Comment: The p.T259A variant (also known as c.775A>G), located in coding exon 1 of the NEFH gene, results from an A to G substitution at nucleotide position 775. The threonine at codon 259 is replaced by alanine, an amino acid with similar properties. This amino acid position is not well conserved in available vertebrate species, and alanine is the reference amino acid in other vertebrate species. In addition, this alteration is predicted to be tolerated by in silico analysis. Since supporting evidence is limited at this time, the clinical significance of this alteration remains unclear.